The following is an entry in ClinVar:

NM_139057.4(ADAMTS17):c.1630G>A (p.Gly544Arg)

Gene: ADAMTS17 (ADAM metallopeptidase with thrombospondin type 1 motif 17; minus strand). Cytogenetic location: 15q26.3.
Variant type: single nucleotide variant.
Coding change: c.1630G>A on transcript NM_139057.4 (MANE Select); coding-DNA position 1630, G replaced by A.
Protein change: p.Gly544Arg; replaces glycine 544 with arginine.
Molecular consequence: missense variant.
Genome position (GRCh38, 1-based): chr15:100,132,098, C>T on the plus strand (G>A on the coding strand, the complement: ADAMTS17 is on the minus strand). VCF-style: chr15-100132098-C-T. GRCh37 (hg19) VCF-style: chr15-100672303-C-T.
Other names: short protein forms G544R.
Identifiers: ClinVar variation 1484137 (VCV001484137.6), dbSNP rs558730527, ClinGen allele CA7758143.

ClinVar aggregate classification (germline): Uncertain significance (1 of 4 stars; one submission).

Allele frequency attached by ClinVar (database versions not stated): ExAC 0.00001; gnomAD 0.00001; gnomAD exomes 0.00001; TOPMed 0.00002.
gnomAD v4.1: 16 of 1,614,034 alleles (0.00099%); highest among the groups gnomAD compares: South Asian, 0.0033%; no homozygotes.

Submission:

Labcorp Genetics (formerly Invitae), Labcorp
Classification: Uncertain significance. Last evaluated: 2021-04-03. Review status: criteria provided, single submitter. Criteria: Invitae Variant Classification Sherloc (09022015). Collection method: clinical testing. Allele origin: germline.
Comment: This sequence change replaces glycine with arginine at codon 544 of the ADAMTS17 protein (p.Gly544Arg). The glycine residue is highly conserved and there is a moderate physicochemical difference between glycine and arginine. This variant is present in population databases (rs558730527, ExAC 0.002%). This variant has not been reported in the literature in individuals with ADAMTS17-related conditions. Algorithms developed to predict the effect of missense changes on protein structure and function are either unavailable or do not agree on the potential impact of this missense change (SIFT: "Not Available"; PolyPhen-2: "Probably Damaging"; Align-GVGD: "Not Available"). In summary, the available evidence is currently insufficient to determine the role of this variant in disease. Therefore, it has been classified as a Variant of Uncertain Significance.